The following is an entry in ClinVar:

ClinVar aggregate classification (germline): Pathogenic/Likely pathogenic. Review status: criteria provided, multiple submitters, no conflicts (2 of 4 stars). 3 submissions from 3 submitters: Pathogenic (1); Likely pathogenic (1). 1 of the submissions does not count toward it. Last evaluated 2025-01-14.

Conditions:
Hypotonia, infantile, with psychomotor retardation and characteristic facies 3 (IHPRF3). Also called: TBCK-Related Neurodevelopmental Disorder. Identifiers: Orphanet 488632, MedGen C5567480, MONDO:0014823, OMIM 616900.
TBCK-related disorder. Also called: TBCK-related condition; TBCK-related disorders.

Submissions (3):

Broad Center for Mendelian Genomics, Broad Institute of MIT and Harvard
Classification: Likely pathogenic for Hypotonia, infantile, with psychomotor retardation and characteristic facies 3. Last evaluated: 2025-01-14. Review status: criteria provided, single submitter. Criteria: ACMG Guidelines, 2015. Collection method: curation. Allele origin: germline. Inheritance: Autosomal recessive inheritance.
Comment: The p.Val246fs variant in TBCK has been reported in 2 siblings with TBCK-related intellectual disability syndrome (PMID: 38374498), and has been identified in 0.00009% (1/1169332) of European (non-Finnish) chromosomes by the Genome Aggregation Database (gnomAD; dbSNP rs2150053706). Although this variant has been seen in the general population in a heterozygous state, its frequency is low enough to be consistent with a recessive carrier frequency. This variant has also been reported in ClinVar (Variation ID: 1185558) and has been interpreted as pathogenic by Kasturba Medical College, Manipal (Kasturba Medical College, Manipal, Manipal Academy of Higher Education, Manipal, India). This variant is predicted to cause a frameshift, which alters the protein's amino acid sequence beginning at position 246 and leads to a premature termination codon 6 amino acids downstream. This alteration is then predicted to lead to a truncated or absent protein. Loss of function of the TBCK gene is an established disease mechanism in autosomal recessive TBCK-related intellectual disability syndrome. In summary, although additional studies are required to fully establish its clinical significance, this variant is likely pathogenic for autosomal recessive TBCK-related intellectual disability syndrome. ACMG/AMP Criteria applied: PVS1, PM2_supporting (Richards 2015).

Kasturba Medical College, Manipal, Kasturba Medical College, Manipal, Manipal Academy of Higher Education, Manipal, India
Classification: Pathogenic for Hypotonia, infantile, with psychomotor retardation and characteristic facies 3. Last evaluated: 2021-04-09. Review status: criteria provided, single submitter. Criteria: ACMG Guidelines, 2015. Collection method: clinical testing. Allele origin: paternal. Inheritance: Autosomal recessive inheritance. Affected: yes. Observed: 1 variant allele, 1 compound heterozygote.

PreventionGenetics, part of Exact Sciences
Classification: Pathogenic for TBCK-related condition. Last evaluated: 2024-07-12. Review status: no assertion criteria provided. Collection method: clinical testing. Allele origin: germline. Not counted in ClinVar's aggregate classification.
Comment: The TBCK c.737_738delTG variant is predicted to result in a frameshift and premature protein termination (p.Val246Aspfs*6). To our knowledge, this variant has not been reported in the literature or in a large population database, indicating this variant is rare. Frameshift variants in TBCK are expected to be pathogenic. This variant is interpreted as pathogenic.

NM_001163435.3(TBCK):c.737_738del (p.Val246fs)

Gene: TBCK (TBC1 domain containing kinase; minus strand). Cytogenetic location: 4q24.
Variant type: Microsatellite.
Coding change: c.737_738del on transcript NM_001163435.3 (MANE Select); coding-DNA positions 737 to 738, 2 bases deleted (TG; older notation c.737_738delTG).
Protein change: p.Val246fs; shifts the reading frame from valine 246.
Molecular consequence: frameshift variant.
Genome position (GRCh38, 1-based): chr4:106,248,289-106,248,290, CA deleted on the plus strand (TG on the coding strand, the reverse complement: TBCK is on the minus strand); deleting any 2 consecutive bases within chr4:106,248,289-106,248,292 gives the same sequence; the c. name uses the placement nearest the transcript's 3' end. VCF-style (leftmost placement, unchanged base first): chr4-106248288-TCA-T. GRCh37 (hg19) VCF-style: chr4-107169445-TCA-T.
Other names: NM_001163435.3(TBCK):c.737_738del; p.Val246fs; c.737_738del, p.Val246fs (NM_001163436.4); c.620_621del, p.Val207fs (NM_001163437.3); c.221_222del, p.Val74fs (NM_001290768.2); c.548_549del, p.Val183fs (NM_033115.5); c.737_738delTG (NM_001163435.2); short protein forms V183fs, V207fs, V246fs, V74fs.
Identifiers: ClinVar variation 1185558 (VCV001185558.6), dbSNP rs2150053706, ClinGen allele CA2580616748.